The following is an entry in ClinVar:

ClinVar aggregate classification (germline): Pathogenic. Review status: criteria provided, multiple submitters, no conflicts (2 of 4 stars). 3 submissions from 3 submitters: Pathogenic (3). Last evaluated 2024-01-02.

Conditions:
Hereditary cancer-predisposing syndrome. Also called: Neoplastic Syndromes, Hereditary; Hereditary Cancer Syndrome; Tumor predisposition; Hereditary neoplastic syndrome. Identifiers: Orphanet 140162, MedGen C0027672, MeSH D009386, MONDO:0015356.
Breast-ovarian cancer, familial, susceptibility to, 3. Also called: RAD51C-Related Breast/Ovarian Cancer. Identifiers: Orphanet 145, MedGen C3150659, MONDO:0013253, OMIM 613399.
Fanconi anemia complementation group O. Also called: RAD51C-Related Fanconi Anemia. Identifiers: Orphanet 84, MedGen C3150653, MONDO:0013248, OMIM 613390.

Submissions (3):

Myriad Genetics, Inc.
Classification: Pathogenic for Breast-ovarian cancer, familial, susceptibility to, 3. Last evaluated: 2024-01-02. Review status: criteria provided, single submitter. Criteria: Myriad Autosomal Dominant, Autosomal Recessive and X-Linked Classification Criteria (2023). Collection method: clinical testing. Allele origin: unknown.
Comment: This variant is considered pathogenic. This variant creates a frameshift predicted to result in premature protein truncation.

Labcorp Genetics (formerly Invitae), Labcorp
Classification: Pathogenic for Fanconi anemia complementation group O. Last evaluated: 2022-10-13. Review status: criteria provided, single submitter. Criteria: Invitae Variant Classification Sherloc (09022015). Collection method: clinical testing. Allele origin: germline.
Comment: For these reasons, this variant has been classified as Pathogenic. This variant has not been reported in the literature in individuals affected with RAD51C-related conditions. This variant is not present in population databases (gnomAD no frequency). This sequence change creates a premature translational stop signal (p.Glu122Trpfs*30) in the RAD51C gene. It is expected to result in an absent or disrupted protein product. Loss-of-function variants in RAD51C are known to be pathogenic (PMID: 20400964, 21990120, 24800917).

Ambry Genetics
Classification: Pathogenic for Hereditary cancer-predisposing syndrome. Last evaluated: 2022-07-27. Review status: criteria provided, single submitter. Criteria: Ambry Variant Classification Scheme 2023. Collection method: clinical testing. Allele origin: germline.
Comment: The c.363_371delAGAAATTTGinsC pathogenic mutation, located in coding exon 2 of the RAD51C gene, results from the deletion of 9 nucleotides and insertion of one nucleotide causing a translational frameshift with a predicted alternate stop codon (p.E122Wfs*30). This variant is considered to be rare based on population cohorts in the Genome Aggregation Database (gnomAD). This alteration is expected to result in loss of function by premature protein truncation or nonsense-mediated mRNA decay. As such, this alteration is interpreted as a disease-causing mutation.

Literature cited by the submitters: PubMed 20400964 (cited by Labcorp Genetics (formerly Invitae), Labcorp); PubMed 21990120 (cited by Labcorp Genetics (formerly Invitae), Labcorp); PubMed 24800917 (cited by Labcorp Genetics (formerly Invitae), Labcorp).

NM_058216.3(RAD51C):c.363_371delinsC (p.Glu122fs)

Gene: RAD51C (RAD51 paralog C; plus strand). Cytogenetic location: 17q22.
Variant type: Indel.
Coding change: c.363_371delinsC on transcript NM_058216.3 (MANE Select); coding-DNA positions 363 to 371, AGAAATTTG replaced by C.
Protein change: p.Glu122fs; shifts the reading frame from glutamic acid 122.
Molecular consequence: frameshift variant. On other transcripts: non-coding transcript variant (2).
Genome position (GRCh38, 1-based): chr17:58,695,148-58,695,156, AGAAATTTG replaced by C. VCF-style: chr17-58695148-AGAAATTTG-C. GRCh37 (hg19) VCF-style: chr17-56772509-AGAAATTTG-C.
Other names: c.363_371delinsC, p.Glu122fs (NM_002876.4); short protein forms E122fs.
Identifiers: ClinVar variation 582374 (VCV000582374.9), dbSNP rs1567786509, ClinGen allele CA891844267.
Genomic context (GRCh38, chr17:58,695,148, plus strand): 5'-CACCTTCTGTTCAGCACTAGATGATATTCTTGGGGGTGGAGTGCCCTTAATGAAAACAAC[AGAAATTTG>C]TGGTGCACCAGGTGTTGGAAAAACACAATTATGGTAAAATAAAGTGTTCTCCTTTTAAGG-3'